The following is an entry in ClinVar:

ClinVar aggregate classification (germline): Uncertain significance (1 of 4 stars; one submission).

gnomAD v4.1: 1 of 1,614,140 alleles (0.000062%); highest among the groups gnomAD compares: Non-Finnish European, 0.000085%; no homozygotes.

Submission:

Ambry Genetics
Classification: Uncertain significance. Last evaluated: 2025-10-16. Review status: criteria provided, single submitter. Criteria: Ambry Variant Classification Scheme 2023. Collection method: clinical testing. Allele origin: germline.
Comment: The p.D1128N variant (also known as c.3382G>A), located in coding exon 13 of the CDK12 gene, results from a G to A substitution at nucleotide position 3382. The aspartic acid at codon 1128 is replaced by asparagine, an amino acid with highly similar properties. This amino acid position is conserved. In addition, this alteration is predicted to be tolerated by in silico analysis. Based on the available evidence, the clinical significance of this variant remains unclear.

NM_016507.4(CDK12):c.3382G>A (p.Asp1128Asn)

Gene: CDK12 (cyclin dependent kinase 12; plus strand). Cytogenetic location: 17q12.
Variant type: single nucleotide variant.
Coding change: c.3382G>A on transcript NM_016507.4 (MANE Select); coding-DNA position 3382, G replaced by A.
Protein change: p.Asp1128Asn; replaces aspartic acid 1128 with asparagine.
Molecular consequence: missense variant.
Genome position (GRCh38, 1-based): chr17:39,525,938, G>A. VCF-style: chr17-39525938-G-A. GRCh37 (hg19) VCF-style: chr17-37682191-G-A.
Other names: c.3382G>A, p.Asp1128Asn (NM_015083.4); short protein forms D1128N.
Identifiers: ClinVar variation 4651385 (VCV004651385.1).
Genomic context (GRCh38, chr17:39,525,938, plus strand): 5'-ACACAACAGCTGAATCAAAGTGAATTGGCAGTGTTATTAAACCTGCTGCAGAGCCAAACC[G>A]ACCTGAGCATCCCTCAAATGGCACAGCTGCTTAACATCCACTCCAACCCAGAGATGCAGC-3'
Protein context (NP_057591.2, residues 1118-1138): VLLNLLQSQT[Asp1128Asn]LSIPQMAQLL